The following is an entry in ClinVar:

NM_013450.4(BAZ2B):c.5806A>G (p.Ile1936Val)

Gene: BAZ2B (bromodomain adjacent to zinc finger domain 2B; minus strand). Cytogenetic location: 2q24.2.
Variant type: single nucleotide variant.
Coding change: c.5806A>G on transcript NM_013450.4 (MANE Select); coding-DNA position 5806, A replaced by G.
Protein change: p.Ile1936Val; replaces isoleucine 1936 with valine.
Molecular consequence: missense variant.
Genome position (GRCh38, 1-based): chr2:159,332,677, T>C on the plus strand (A>G on the coding strand, the complement: BAZ2B is on the minus strand). VCF-style: chr2-159332677-T-C. GRCh37 (hg19) VCF-style: chr2-160189188-T-C.
Other names: c.5698A>G, p.Ile1900Val (NM_001289975.1); c.5749A>G, p.Ile1917Val (NM_001329857.2); c.5731A>G, p.Ile1911Val (NM_001329858.2); short protein forms I1900V, I1911V, I1917V, I1936V.
Identifiers: ClinVar variation 3369781 (VCV003369781.1).

ClinVar aggregate classification (germline): Uncertain significance (1 of 4 stars; one submission).

Submission:

GeneDx
Classification: Uncertain significance. Last evaluated: 2024-02-29. Review status: criteria provided, single submitter. Criteria: GeneDx Variant Classification Process June 2021. Collection method: clinical testing. Allele origin: germline. Affected: yes.
Comment: Not observed at significant frequency in large population cohorts (gnomAD); In silico analysis supports that this missense variant does not alter protein structure/function; Has not been previously published as pathogenic or benign to our knowledge